The following is an entry in ClinVar:

ClinVar aggregate classification (germline): Likely pathogenic. Review status: criteria provided, multiple submitters, no conflicts (2 of 4 stars). 2 submissions from 2 submitters: Likely pathogenic (2). Last evaluated 2024-10-04.

Conditions:
Bardet-Biedl syndrome (BBS). Identifiers: Orphanet 110, MedGen C0752166, MONDO:0015229.
Bardet-Biedl syndrome 2 (BBS2). Identifiers: Orphanet 110, MedGen C2936863, MONDO:0014432, OMIM 615981.

Allele frequency attached by ClinVar (database versions not stated): gnomAD exomes below 0.00001.
gnomAD v4.1: 1 of 1,608,924 alleles (0.000062%); highest among the groups gnomAD compares: Non-Finnish European, 0.000085%; no homozygotes.

Submissions (2):

Natera, Inc.
Classification: Likely pathogenic for Bardet-Biedl syndrome type 2. Last evaluated: 2024-10-04. Review status: criteria provided, single submitter. Criteria: Natera Variant Classification Schema (03/2026). Collection method: clinical testing. Allele origin: germline.
Comment: The c.118-1G>T variant in BBS2 is a canonical splice acceptor site variant predicted to affect pre-mRNA splicing, which may result in an abnormal transcript and altered protein product. This variant is expected to result in nonsense mediated decay, truncation, or a dysfunctional protein product. This variant is rare in the general population with a frequency below the threshold expected for the associated phenotype(s). Given the available evidence, this variant is classified as Likely Pathogenic.

Labcorp Genetics (formerly Invitae), Labcorp
Classification: Likely pathogenic for Bardet-Biedl syndrome. Last evaluated: 2024-02-01. Review status: criteria provided, single submitter. Criteria: Invitae Variant Classification Sherloc (09022015). Collection method: clinical testing. Allele origin: germline.
Comment: This sequence change affects an acceptor splice site in intron 1 of the BBS2 gene. It is expected to disrupt RNA splicing. Variants that disrupt the donor or acceptor splice site typically lead to a loss of protein function (PMID: 16199547), and loss-of-function variants in BBS2 are known to be pathogenic (PMID: 11285252, 20177705, 24608809, 26518167). This variant is not present in population databases (gnomAD no frequency). This variant has not been reported in the literature in individuals affected with BBS2-related conditions. Algorithms developed to predict the effect of sequence changes on RNA splicing suggest that this variant may disrupt the consensus splice site. In summary, the currently available evidence indicates that the variant is pathogenic, but additional data are needed to prove that conclusively. Therefore, this variant has been classified as Likely Pathogenic.

Literature cited by the submitters: PubMed 16199547 (cited by Labcorp Genetics (formerly Invitae), Labcorp); PubMed 11285252 (cited by Labcorp Genetics (formerly Invitae), Labcorp); PubMed 20177705 (cited by Labcorp Genetics (formerly Invitae), Labcorp); PubMed 24608809 (cited by Labcorp Genetics (formerly Invitae), Labcorp); PubMed 26518167 (cited by Labcorp Genetics (formerly Invitae), Labcorp).

NM_031885.5(BBS2):c.118-1G>T

Gene: BBS2 (Bardet-Biedl syndrome 2; minus strand). Cytogenetic location: 16q13.
Variant type: single nucleotide variant.
Coding change: c.118-1G>T on transcript NM_031885.5 (MANE Select); the canonical splice acceptor site of the intron before coding-DNA position 118, G replaced by T.
Molecular consequence: splice acceptor variant.
Genome position (GRCh38, 1-based): chr16:56,514,681, C>A on the plus strand (G>T on the coding strand, the complement: BBS2 is on the minus strand). VCF-style: chr16-56514681-C-A. GRCh37 (hg19) VCF-style: chr16-56548593-C-A.
Other names: c.118-1G>T (NM_031885.3, NM_001377456.1).
Identifiers: ClinVar variation 2760843 (VCV002760843.4), dbSNP rs587777825, ClinGen allele CA395986499.
Genomic context (GRCh38, chr16:56,514,681, plus strand): 5'-CTGGAAGACCCTGGATGCACTGACATGCTGGTTCCGTGTATGAGGATTATGAATAAAAAC[C>A]TGAAACAAAAATAACTAATTACATTCCCTTAAAATATAAAAAATTAGTATCATACATTTT-3'